The following is an entry in ClinVar:

ClinVar aggregate classification (germline): Uncertain significance (1 of 4 stars; one submission).

Conditions:
Hereditary cancer-predisposing syndrome. Also called: Neoplastic Syndromes, Hereditary; Tumor predisposition; Hereditary Cancer Syndrome; Hereditary neoplastic syndrome. Identifiers: Orphanet 140162, MedGen C0027672, MeSH D009386, MONDO:0015356.

Submission:

Ambry Genetics
Classification: Uncertain significance for Hereditary cancer-predisposing syndrome. Last evaluated: 2024-10-15. Review status: criteria provided, single submitter. Criteria: Ambry Variant Classification Scheme 2023. Collection method: clinical testing. Allele origin: germline.
Comment: The p.H140R variant (also known as c.419A>G), located in coding exon 3 of the PRKAR1A gene, results from an A to G substitution at nucleotide position 419. The histidine at codon 140 is replaced by arginine, an amino acid with highly similar properties. This amino acid position is conserved. In addition, this alteration is predicted to be deleterious by in silico analysis. Based on the available evidence, the clinical significance of this variant remains unclear.

NM_002734.5(PRKAR1A):c.419A>G (p.His140Arg)

Gene: PRKAR1A (protein kinase cAMP-dependent type I regulatory subunit alpha; plus strand). Cytogenetic location: 17q24.2.
Variant type: single nucleotide variant.
Coding change: c.419A>G on transcript NM_002734.5 (MANE Select); coding-DNA position 419, A replaced by G.
Protein change: p.His140Arg; replaces histidine 140 with arginine.
Molecular consequence: missense variant.
Genome position (GRCh38, 1-based): chr17:68,523,795, A>G. VCF-style: chr17-68523795-A-G. GRCh37 (hg19) VCF-style: chr17-66519936-A-G.
Other names: c.419A>G, p.His140Arg (NM_001276289.2, NM_001276290.1, NM_001278433.2 and 4 more transcripts); short protein forms H140R.
Identifiers: ClinVar variation 3425074 (VCV003425074.1).